The following is an entry in ClinVar:

ClinVar aggregate classification (germline): Uncertain significance (1 of 4 stars; one submission).

Allele frequency attached by ClinVar (database versions not stated): gnomAD exomes 0.00002 and 0.00006; gnomAD 0.00017 and 0.00018; TOPMed 0.00019.

Submission:

Labcorp Genetics (formerly Invitae), Labcorp
Classification: Uncertain significance. Last evaluated: 2025-08-20. Review status: criteria provided, single submitter. Criteria: Invitae Variant Classification Sherloc (09022015). Collection method: clinical testing. Allele origin: germline.
Comment: This sequence change replaces threonine, which is neutral and polar, with isoleucine, which is neutral and non-polar, at codon 521 of the COL9A2 protein (p.Thr521Ile). This variant is present in population databases (no rsID available, gnomAD 0.05%). This variant has not been reported in the literature in individuals affected with COL9A2-related conditions. ClinVar contains an entry for this variant (Variation ID: 1366613). Invitae Evidence Modeling of protein sequence and biophysical properties (such as structural, functional, and spatial information, amino acid conservation, physicochemical variation, residue mobility, and thermodynamic stability) indicates that this missense variant is not expected to disrupt COL9A2 protein function with a negative predictive value of 95%. In summary, the available evidence is currently insufficient to determine the role of this variant in disease. Therefore, it has been classified as a Variant of Uncertain Significance.

NM_001852.4(COL9A2):c.1562C>T (p.Thr521Ile)

Gene: COL9A2 (collagen type IX alpha 2 chain; minus strand). Cytogenetic location: 1p34.2.
Variant type: single nucleotide variant.
Coding change: c.1562C>T on transcript NM_001852.4 (MANE Select); coding-DNA position 1562, C replaced by T.
Protein change: p.Thr521Ile; replaces threonine 521 with isoleucine.
Molecular consequence: missense variant.
Genome position (GRCh38, 1-based): chr1:40,303,172, G>A on the plus strand (C>T on the coding strand, the complement: COL9A2 is on the minus strand). VCF-style: chr1-40303172-G-A. GRCh37 (hg19) VCF-style: chr1-40768844-G-A.
Other names: short protein forms T521I.
Identifiers: ClinVar variation 1366613 (VCV001366613.8), dbSNP rs1461746059, ClinGen allele CA339877511.